The following is an entry in ClinVar:

NM_000478.6(ALPL):c.1151C>G (p.Thr384Arg)

Gene: ALPL (alkaline phosphatase, biomineralization associated; plus strand). Cytogenetic location: 1p36.12.
Variant type: single nucleotide variant.
Coding change: c.1151C>G on transcript NM_000478.6 (MANE Select); coding-DNA position 1151, C replaced by G.
Protein change: p.Thr384Arg; replaces threonine 384 with arginine.
Molecular consequence: missense variant.
Genome position (GRCh38, 1-based): chr1:21,575,886, C>G. VCF-style: chr1-21575886-C-G. GRCh37 (hg19) VCF-style: chr1-21902379-C-G.
Other names: c.986C>G, p.Thr329Arg (NM_001127501.4); c.920C>G, p.Thr307Arg (NM_001177520.3); c.1151C>G, p.Thr384Arg (NM_001369803.2, NM_001369804.2, NM_001369805.2); short protein forms T307R, T329R, T384R.
Identifiers: ClinVar variation 2580404 (VCV002580404.6), dbSNP rs2148190082, ClinGen allele CA338881414.

ClinVar aggregate classification (germline): Conflicting classifications of pathogenicity. Review status: criteria provided, conflicting classifications (1 of 4 stars). 4 submissions from 4 submitters: Likely pathogenic (1); Uncertain significance (3). Last evaluated 2026-04-14.

Conditions:
Hypophosphatasia. Also called: Phosphoethanol-aminuria. Identifiers: Orphanet 436, MedGen C0020630, MeSH D007014, MONDO:0018570.
Infantile hypophosphatasia. Identifiers: Orphanet 247651, Orphanet 436, MedGen C0268412, MONDO:1010169, OMIM 241500, MONDO:0009427.
Adult hypophosphatasia. Identifiers: Orphanet 247676, Orphanet 436, MedGen C0268413, MONDO:1010154, OMIM 146300, MONDO:0007798.
Childhood hypophosphatasia. Identifiers: Orphanet 247667, Orphanet 436, MedGen C0220743, MONDO:1010168, OMIM 241510, MONDO:0009428.

Submissions (4):

JKU Lab, Dept of Paediatrics, Johannes Kepler University
Classification: Likely pathogenic for Hypophosphatasia. Last evaluated: 2026-04-14. Review status: criteria provided, single submitter. Criteria: ACMG Guidelines, 2015. Collection method: curation. Allele origin: germline. Affected: yes.
Comment: This missense variant is not present in GnomAD 4.1 and affects a highly conserved amino acid in the homodimeric interface domain. The variant is predicted to affect protein function (REVEL score: 0.775). Splice-prediction algorithms predict no effect on splicing. This variant has not been reported in the literature in individuals affected with ALPL-related conditions.

Labcorp Genetics (formerly Invitae), Labcorp
Classification: Uncertain significance. Last evaluated: 2025-11-10. Review status: criteria provided, single submitter. Criteria: Invitae Variant Classification Sherloc (09022015). Collection method: clinical testing. Allele origin: germline.
Comment: This sequence change replaces threonine, which is neutral and polar, with arginine, which is basic and polar, at codon 384 of the ALPL protein (p.Thr384Arg). This variant is not present in population databases (gnomAD no frequency). This variant has not been reported in the literature in individuals affected with ALPL-related conditions. ClinVar contains an entry for this variant (Variation ID: 2580404). Invitae Evidence Modeling of protein sequence and biophysical properties (such as structural, functional, and spatial information, amino acid conservation, physicochemical variation, residue mobility, and thermodynamic stability) indicates that this missense variant is expected to disrupt ALPL protein function with a positive predictive value of 95%. In summary, the available evidence is currently insufficient to determine the role of this variant in disease. Therefore, it has been classified as a Variant of Uncertain Significance.

Fulgent Genetics
Classification: Uncertain significance for Adult hypophosphatasia; Infantile hypophosphatasia; Childhood hypophosphatasia. Last evaluated: 2024-04-25. Review status: criteria provided, single submitter. Criteria: ACMG Guidelines, 2015. Collection method: clinical testing. Allele origin: germline.

GeneDx
Classification: Uncertain significance. Last evaluated: 2023-03-21. Review status: criteria provided, single submitter. Criteria: GeneDx Variant Classification Process June 2021. Collection method: clinical testing. Allele origin: germline. Affected: yes.
Comment: Not observed at significant frequency in large population cohorts (gnomAD); In silico analysis supports that this missense variant has a deleterious effect on protein structure/function; Has not been previously published as pathogenic or benign to our knowledge